The following is an entry in ClinVar:

NM_003482.4(KMT2D):c.8258del (p.Pro2753fs)

Gene: KMT2D (lysine methyltransferase 2D; minus strand). Cytogenetic location: 12q13.12.
Variant type: Deletion.
Coding change: c.8258del on transcript NM_003482.4 (MANE Select); coding-DNA position 8258, one base deleted (C; older notation c.8258delC).
Protein change: p.Pro2753fs; shifts the reading frame from proline 2753.
Molecular consequence: frameshift variant.
Genome position (GRCh38, 1-based): chr12:49,039,330, G deleted on the plus strand (C on the coding strand, the reverse complement: KMT2D is on the minus strand); the first of 5 consecutive G bases (chr12:49,039,330-49,039,334); deleting any one gives the same sequence. VCF-style (leftmost placement, unchanged base first): chr12-49039329-TG-T. GRCh37 (hg19) VCF-style: chr12-49433112-TG-T.
Other names: c.8258delC (NM_003482.3); short protein forms P2753fs.
Identifiers: ClinVar variation 4996708 (VCV004996708.1).

ClinVar aggregate classification (germline): Pathogenic (1 of 4 stars; one submission).

Conditions:
KMT2D-related disorder. Also called: KMT2D-Related Disorders.

Submission:

PreventionGenetics, part of Exact Sciences
Classification: Pathogenic for KMT2D-related condition. Last evaluated: 2026-06-02. Review status: criteria provided, single submitter. Criteria: ACMG Guidelines, 2015. Collection method: clinical testing. Allele origin: germline.
Comment: The KMT2D c.8258delC variant is predicted to result in a frameshift and premature protein termination (p.Pro2753Glnfs*4). To our knowledge, this variant has not been reported in the literature or in a large population database (gnomAD), indicating this variant is rare. Frameshift variants in KMT2D are expected to be pathogenic. This variant is interpreted as pathogenic.